The following is an entry in ClinVar:

NM_001369.3(DNAH5):c.7752G>A (p.Lys2584=)

Gene: DNAH5 (dynein axonemal heavy chain 5; minus strand). Cytogenetic location: 5p15.2.
Variant type: single nucleotide variant.
Coding change: c.7752G>A on transcript NM_001369.3 (MANE Select); coding-DNA position 7752, G replaced by A.
Protein change: p.Lys2584=; no amino-acid change (lysine 2584 retained).
Molecular consequence: synonymous variant.
Genome position (GRCh38, 1-based): chr5:13,809,044, C>T on the plus strand (G>A on the coding strand, the complement: DNAH5 is on the minus strand). VCF-style: chr5-13809044-C-T. GRCh37 (hg19) VCF-style: chr5-13809153-C-T.
Identifiers: ClinVar variation 2814213 (VCV002814213.3), dbSNP rs2546800287, ClinGen allele CA443272339.
Genomic context (GRCh38, chr5:13,809,044, plus strand): 5'-CAGGATGCTTCATGTCTCCCCTTAAAATATGCTACAGTTAATAAAAATTAAAAGTCATAC[C>T]TTGCCCTGTTTAGCAATGGTTTGAATTAGAAAGTCAGTCCTCACATTGTCAACATTTGGC-3'
Protein context (NP_001360.1, residues 2574-2594): FLIQTIAKQG[Lys2584=]AVLLIGEQGT

ClinVar aggregate classification (germline): Uncertain significance (1 of 4 stars; one submission).

Conditions:
Primary ciliary dyskinesia. Also called: Ciliary dyskinesia. Identifiers: Orphanet 244, MedGen C0008780, MONDO:0016575, HP:0012265.

Submission:

Labcorp Genetics (formerly Invitae), Labcorp
Classification: Uncertain significance for Primary ciliary dyskinesia. Last evaluated: 2022-11-14. Review status: criteria provided, single submitter. Criteria: Invitae Variant Classification Sherloc (09022015). Collection method: clinical testing. Allele origin: germline.
Comment: This sequence change affects codon 2584 of the DNAH5 mRNA. It is a 'silent' change, meaning that it does not change the encoded amino acid sequence of the DNAH5 protein. This variant also falls at the last nucleotide of exon 46, which is part of the consensus splice site for this exon. This variant is not present in population databases (gnomAD no frequency). This variant has not been reported in the literature in individuals affected with DNAH5-related conditions. Variants that disrupt the consensus splice site are a relatively common cause of aberrant splicing (PMID: 17576681, 9536098). Algorithms developed to predict the effect of sequence changes on RNA splicing suggest that this variant may disrupt the consensus splice site. In summary, the available evidence is currently insufficient to determine the role of this variant in disease. Therefore, it has been classified as a Variant of Uncertain Significance.

Literature cited by the submitters: PubMed 17576681; PubMed 9536098.